The following is an entry in ClinVar:

ClinVar aggregate classification (germline): Pathogenic (1 of 4 stars; one submission).

Conditions:
Myofibrillar myopathy 7. Identifiers: MedGen C4310711, MONDO:0014922, OMIM 617114.

Allele frequency attached by ClinVar (database versions not stated): gnomAD exomes 0.00001; ExAC 0.00002.
gnomAD v4.1: 3 of 1,594,490 alleles (0.00019%); highest among the groups gnomAD compares: Admixed American, 0.0018%; no homozygotes.

Submission:

Women's Health and Genetics/Laboratory Corporation of America, LabCorp
Classification: Pathogenic for Myofibrillar myopathy 7. Last evaluated: 2023-08-03. Review status: criteria provided, single submitter. Criteria: LabCorp Variant Classification Summary - May 2015. Collection method: clinical testing. Allele origin: germline.
Comment: Variant summary: KY c.481C>T (p.Gln161X) results in a premature termination codon, predicted to cause a truncation of the encoded protein or absence of the protein due to nonsense mediated decay, which are commonly known mechanisms for disease. The variant allele was found at a frequency of 4.6e-06 in 218882 control chromosomes (gnomAD). To our knowledge, no occurrence of c.481C>T in individuals affected with Myofibrillar Myopathy 7 and no experimental evidence demonstrating its impact on protein function have been reported. No submitters have cited clinical-significance assessments for this variant to ClinVar after 2014. Based on the evidence outlined above, the variant was classified as pathogenic.

NM_178554.6(KY):c.481C>T (p.Gln161Ter)

Genes: CEP63 (centrosomal protein 63; plus strand), KY (kyphoscoliosis peptidase; minus strand). Cytogenetic location: 3q22.2.
Variant type: single nucleotide variant.
Coding change: c.481C>T on transcript NM_178554.6 (MANE Select); coding-DNA position 481, C replaced by T.
Protein change: p.Gln161Ter; replaces glutamine 161 with a stop codon.
Molecular consequence: nonsense.
Genome position (GRCh38, 1-based): chr3:134,625,055, G>A on the plus strand (C>T on the coding strand, the complement: KY is on the minus strand). VCF-style: chr3-134625055-G-A. GRCh37 (hg19) VCF-style: chr3-134343897-G-A.
Other names: c.433C>T, p.Gln145Ter (NM_001350859.2); c.355C>T, p.Gln119Ter (NM_001350860.2); c.418C>T, p.Gln140Ter (NM_001366276.1); c.481C>T, p.Gln161Ter (NM_001366277.2); short protein forms Q119*, Q140*, Q145*, Q161*.
Identifiers: ClinVar variation 2581449 (VCV002581449.1), dbSNP rs762212832, ClinGen allele CA2629280.
Genomic context (GRCh38, chr3:134,625,055, plus strand): 5'-CCCTAGAACTCTAAGCCACCTTGAAGGGGCCCATGGTCAGAGCGGCCAGCTGTCCTACCT[G>A]TGAGGCGTAGATATCCAATTTCTCAAACTGCTGCAGGTCCAGGGACATGGATTTCAGGCT-3'